The following is an entry in ClinVar:

ClinVar aggregate classification (germline): Likely benign. Review status: criteria provided, multiple submitters, no conflicts (2 of 4 stars). 4 submissions from 4 submitters: Likely benign (4). Last evaluated 2025-10-27.

Conditions:
Left ventricular noncompaction 8 (LVNC8). Identifiers: Orphanet 154, Orphanet 54260, MedGen C3809288, MONDO:0014152, OMIM 615373.

Allele frequency attached by ClinVar (database versions not stated): gnomAD exomes 0.00006 and 0.00013; ExAC 0.00013; gnomAD 0.00016 and 0.00018; TOPMed 0.00021.
gnomAD v4.1: 114 of 1,613,796 alleles (0.0071%); highest among the groups gnomAD compares: South Asian, 0.068%; no homozygotes.

Submissions (4):

Labcorp Genetics (formerly Invitae), Labcorp
Classification: Likely benign for Left ventricular noncompaction 8. Last evaluated: 2025-10-27. Review status: criteria provided, single submitter. Criteria: Invitae Variant Classification Sherloc (09022015). Collection method: clinical testing. Allele origin: germline.

Mayo Clinic Laboratories, Mayo Clinic
Classification: Likely benign. Last evaluated: 2025-04-02. Review status: criteria provided, single submitter. Criteria: ACMG Guidelines, 2015. Collection method: clinical testing. Allele origin: germline. Observed: 1 variant allele.
Comment: BP4, BP7

Blueprint Genetics
Classification: Likely benign. Last evaluated: 2023-04-27. Review status: criteria provided, single submitter. Criteria: ACMG Guidelines, 2015. Collection method: clinical testing. Allele origin: germline.

GeneDx
Classification: Likely benign. Last evaluated: 2020-11-20. Review status: criteria provided, single submitter. Criteria: GeneDx Variant Classification Process June 2021. Collection method: clinical testing. Allele origin: germline. Affected: yes.

NM_022114.4(PRDM16):c.3051C>T (p.Phe1017=)

Gene: PRDM16 (PR/SET domain 16; plus strand). Cytogenetic location: 1p36.32.
Variant type: single nucleotide variant.
Coding change: c.3051C>T on transcript NM_022114.4 (MANE Select); coding-DNA position 3051, C replaced by T.
Protein change: p.Phe1017=; no amino-acid change (phenylalanine 1017 retained).
Molecular consequence: synonymous variant.
Genome position (GRCh38, 1-based): chr1:3,425,692, C>T. VCF-style: chr1-3425692-C-T. GRCh37 (hg19) VCF-style: chr1-3342256-C-T.
Other names: p.Phe1017=; c.3051C>T, p.Phe1017= (NM_199454.3).
Identifiers: ClinVar variation 680896 (VCV000680896.14), dbSNP rs778222564, ClinGen allele CA544692.